The following is an entry in ClinVar:

NC_012920.1(MT-CO1):m.7155T>C

Gene: MT-CO1 (mitochondrially encoded cytochrome c oxidase I; plus strand).
Variant type: single nucleotide variant.
Genome position: chrM-7155-T-C.
Identifiers: ClinVar variation 692710 (VCV000692710.1), dbSNP rs1603220808, ClinGen allele CA414791592.

ClinVar aggregate classification (germline): Uncertain significance (1 of 4 stars; one submission).

Conditions:
Leigh syndrome (NULS). Also called: Leigh's necrotizing encephalopathy; Leigh's disease; Leigh Syndrome (mtDNA deletion); Leigh Disease; Subacute necrotizing encephalopathy; Necrotizing encephalopathy infantile subacute of Leigh. Identifiers: Orphanet 506, MedGen C2931891, MONDO:0009723, OMIM 256000.

Submission:

Wong Mito Lab, Molecular and Human Genetics, Baylor College of Medicine
Classification: Uncertain significance for Leigh syndrome. Last evaluated: 2019-10-17. Review status: criteria provided, single submitter. Criteria: Modified ACMG Guidelines (Unpublished). Collection method: clinical testing. Allele origin: germline.
Comment: The NC_012920.1:m.7155T>C (YP_003024028.1:p.Phe418Leu) variant in MTCO1 gene is interpretated to be a Uncertain Significance variant based on the modified ACMG guidelines (unpublished). This variant meets the following evidence codes: PP3, PP6, PP7, BP5